The following is an entry in ClinVar:

ClinVar aggregate classification (germline): Pathogenic (1 of 4 stars; one submission).

Conditions:
Chédiak-Higashi syndrome (CHS). Also called: Chediak-Higashi Syndrome. Identifiers: Orphanet 167, MedGen C0007965, MONDO:0008963, OMIM 214500.

Submission:

Labcorp Genetics (formerly Invitae), Labcorp
Classification: Pathogenic for Chédiak-Higashi syndrome. Last evaluated: 2024-02-20. Review status: criteria provided, single submitter. Criteria: Invitae Variant Classification Sherloc (09022015). Collection method: clinical testing. Allele origin: germline.
Comment: This sequence change creates a premature translational stop signal (p.Cys3677*) in the LYST gene. It is expected to result in an absent or disrupted protein product. Loss-of-function variants in LYST are known to be pathogenic (PMID: 9215679, 11857544). This variant is not present in population databases (gnomAD no frequency). This variant has not been reported in the literature in individuals affected with LYST-related conditions. For these reasons, this variant has been classified as Pathogenic.

Literature cited by the submitters: PubMed 9215679; PubMed 11857544.

NM_000081.4(LYST):c.11031_11032del (p.Cys3677_Asp3678delinsTer)

Gene: LYST (lysosomal trafficking regulator; minus strand). Cytogenetic location: 1q42.3.
Variant type: Microsatellite.
Coding change: c.11031_11032del on transcript NM_000081.4 (MANE Select); coding-DNA positions 11031 to 11032, 2 bases deleted (TG; older notation c.11031_11032delTG).
Protein change: p.Cys3677_Asp3678delinsTer.
Molecular consequence: nonsense.
Genome position (GRCh38, 1-based): chr1:235,677,097-235,677,098, CA deleted on the plus strand (TG on the coding strand, the reverse complement: LYST is on the minus strand); deleting any 2 consecutive bases within chr1:235,677,097-235,677,104 gives the same sequence; the c. name uses the placement nearest the transcript's 3' end. VCF-style (leftmost placement, unchanged base first): chr1-235677096-TCA-T. GRCh37 (hg19) VCF-style: chr1-235840396-TCA-T.
Other names: c.11031_11032del, p.Cys3677_Asp3678delinsTer (NM_001301365.1).
Identifiers: ClinVar variation 3642254 (VCV003642254.2).
Genomic context (GRCh38, chr1:235,677,096, plus strand): 5'-GAATGCGCTGTTAGAGCACCAGCCAGCCCTGTGCTTTGGGTTGGAGCAAGCTCACCTGAA[TCA>T]CACACAGTAGCAATATCACCTGAGGTTTCACTGGCAGAGACAGCTGTGACAGGGCTTTTG-3'